The following is an entry in ClinVar:

NM_032119.4(ADGRV1):c.11896G>T (p.Asp3966Tyr)

Gene: ADGRV1 (adhesion G protein-coupled receptor V1; plus strand). Cytogenetic location: 5q14.3.
Variant type: single nucleotide variant.
Coding change: c.11896G>T on transcript NM_032119.4 (MANE Select); coding-DNA position 11896, G replaced by T.
Protein change: p.Asp3966Tyr; replaces aspartic acid 3966 with tyrosine.
Molecular consequence: missense variant. On other transcripts: non-coding transcript variant (1).
Genome position (GRCh38, 1-based): chr5:90,757,117, G>T. VCF-style: chr5-90757117-G-T. GRCh37 (hg19) VCF-style: chr5-90052934-G-T.
Other names: short protein forms D3966Y.
Identifiers: ClinVar variation 1501528 (VCV001501528.8), dbSNP rs537561836, ClinGen allele CA122799183.

ClinVar aggregate classification (germline): Uncertain significance (1 of 4 stars; one submission).

Allele frequency attached by ClinVar (database versions not stated): TOPMed below 0.00001.

Submission:

Labcorp Genetics (formerly Invitae), Labcorp
Classification: Uncertain significance. Last evaluated: 2021-06-24. Review status: criteria provided, single submitter. Criteria: Invitae Variant Classification Sherloc (09022015). Collection method: clinical testing. Allele origin: germline.
Comment: In summary, the available evidence is currently insufficient to determine the role of this variant in disease. Therefore, it has been classified as a Variant of Uncertain Significance. Algorithms developed to predict the effect of missense changes on protein structure and function are either unavailable or do not agree on the potential impact of this missense change (SIFT: "Deleterious"; PolyPhen-2: "Probably Damaging"; Align-GVGD: "Class C0"). This variant has not been reported in the literature in individuals with ADGRV1-related conditions. This variant is not present in population databases (ExAC no frequency). This sequence change replaces aspartic acid with tyrosine at codon 3966 of the ADGRV1 protein (p.Asp3966Tyr). The aspartic acid residue is highly conserved and there is a large physicochemical difference between aspartic acid and tyrosine.